The following is an entry in ClinVar:

ClinVar aggregate classification (germline): Pathogenic. Review status: criteria provided, single submitter (1 of 4 stars). 2 submissions from 2 submitters: Pathogenic (1). 1 of the submissions does not count toward it. Last evaluated 2019-10-25.

Conditions:
Alstrom syndrome (ALMS). Identifiers: Orphanet 64, MedGen C0268425, MONDO:0008763, OMIM 203800.

Submissions (2):

Labcorp Genetics (formerly Invitae), Labcorp
Classification: Pathogenic for Alstrom syndrome. Last evaluated: 2019-10-25. Review status: criteria provided, single submitter. Criteria: Invitae Variant Classification Sherloc (09022015). Collection method: clinical testing. Allele origin: germline.
Comment: This sequence change creates a premature translational stop signal (p.Trp3664*) in the ALMS1 gene. It is expected to result in an absent or disrupted protein product. This variant is not present in population databases (ExAC no frequency). This variant has been observed in individuals with Alstrom syndrome (PMID: 11941370). It has also been observed to segregate with disease in related individuals. ClinVar contains an entry for this variant (Variation ID: 3974). Loss-of-function variants in ALMS1 are known to be pathogenic (PMID: 17594715). For these reasons, this variant has been classified as Pathogenic.

OMIM
Classification: Pathogenic for ALSTROM SYNDROME. Last evaluated: 2002-05-01. Review status: no assertion criteria provided. Collection method: literature only. Allele origin: germline. Not counted in ClinVar's aggregate classification.

Literature cited by the submitters: PubMed 11941370 (cited by Labcorp Genetics (formerly Invitae), Labcorp and OMIM); PubMed 17594715 (cited by Labcorp Genetics (formerly Invitae), Labcorp).

NM_001378454.1(ALMS1):c.10989G>A (p.Trp3663Ter)

Gene: ALMS1 (ALMS1 centrosome and basal body associated protein; plus strand). Cytogenetic location: 2p13.1.
Variant type: single nucleotide variant.
Coding change: c.10989G>A on transcript NM_001378454.1 (MANE Select); coding-DNA position 10989, G replaced by A.
Protein change: p.Trp3663Ter; replaces tryptophan 3663 with a stop codon.
Molecular consequence: nonsense.
Genome position (GRCh38, 1-based): chr2:73,572,866, G>A. VCF-style: chr2-73572866-G-A. GRCh37 (hg19) VCF-style: chr2-73799993-G-A.
Other names: c.10992G>A, p.Trp3664Ter (NM_015120.4); short protein forms W3664*, W3663*.
Identifiers: ClinVar variation 3974 (VCV000003974.10), dbSNP rs193919339, ClinGen allele CA252955.